The following is an entry in ClinVar:

NM_001122769.3(LCA5):c.1442C>T (p.Ser481Phe)

Gene: LCA5 (lebercilin LCA5; minus strand). Cytogenetic location: 6q14.1.
Variant type: single nucleotide variant.
Coding change: c.1442C>T on transcript NM_001122769.3 (MANE Select); coding-DNA position 1442, C replaced by T.
Protein change: p.Ser481Phe; replaces serine 481 with phenylalanine.
Molecular consequence: missense variant.
Genome position (GRCh38, 1-based): chr6:79,487,656, G>A on the plus strand (C>T on the coding strand, the complement: LCA5 is on the minus strand). VCF-style: chr6-79487656-G-A. GRCh37 (hg19) VCF-style: chr6-80197373-G-A.
Other names: c.1442C>T, p.Ser481Phe (NM_181714.4); c.1442C>T (NM_181714.3); short protein forms S481F.
Identifiers: ClinVar variation 2006595 (VCV002006595.2), dbSNP rs1394376638, ClinGen allele CA364640798.

ClinVar aggregate classification (germline): Uncertain significance. Review status: criteria provided, single submitter (1 of 4 stars). 2 submissions from 2 submitters: Uncertain significance (1). 1 of the submissions does not count toward it. Last evaluated 2022-06-26.

Conditions:
Leber congenital amaurosis 5 (LCA5). Also called: Amaurosis congenita of Leber, type 5. Identifiers: Orphanet 65, MedGen C1858301, MONDO:0011473, OMIM 604537.

Allele frequency attached by ClinVar (database versions not stated): gnomAD exomes below 0.00001; gnomAD 0.00001; TOPMed 0.00001.
gnomAD v4.1: 3 of 1,613,864 alleles (0.00019%); highest among the groups gnomAD compares: African/African-American, 0.004%; no homozygotes.

Submissions (2):

Labcorp Genetics (formerly Invitae), Labcorp
Classification: Uncertain significance. Last evaluated: 2022-06-26. Review status: criteria provided, single submitter. Criteria: Invitae Variant Classification Sherloc (09022015). Collection method: clinical testing. Allele origin: germline.
Comment: This sequence change replaces serine, which is neutral and polar, with phenylalanine, which is neutral and non-polar, at codon 481 of the LCA5 protein (p.Ser481Phe). This variant is not present in population databases (gnomAD no frequency). This variant has not been reported in the literature in individuals affected with LCA5-related conditions. Algorithms developed to predict the effect of missense changes on protein structure and function are either unavailable or do not agree on the potential impact of this missense change (SIFT: "Tolerated"; PolyPhen-2: "Possibly Damaging"; Align-GVGD: "Class C0"). In summary, the available evidence is currently insufficient to determine the role of this variant in disease. Therefore, it has been classified as a Variant of Uncertain Significance.

Natera, Inc.
Classification: Uncertain significance for Leber congenital amaurosis type 5. Last evaluated: 2025-02-20. Review status: no assertion criteria provided. Collection method: clinical testing. Allele origin: germline. Not counted in ClinVar's aggregate classification.